The following is an entry in ClinVar:

ClinVar aggregate classification (germline): Pathogenic (1 of 4 stars; one submission).

Conditions:
Familial cancer of breast. Also called: Hereditary breast cancer; BREAST CANCER, FAMILIAL; hereditary breast carcinoma. Identifiers: Orphanet 227535, MedGen C0346153, MONDO:0016419, OMIM 114480. Disease mechanism: loss of function.

Submission:

Labcorp Genetics (formerly Invitae), Labcorp
Classification: Pathogenic for Familial cancer of breast. Last evaluated: 2025-05-28. Review status: criteria provided, single submitter. Criteria: Invitae Variant Classification Sherloc (09022015). Collection method: clinical testing. Allele origin: germline.
Comment: This sequence change creates a premature translational stop signal (p.Ser44Alafs*17) in the CHEK2 gene. It is expected to result in an absent or disrupted protein product. Loss-of-function variants in CHEK2 are known to be pathogenic (PMID: 21876083, 24713400). This variant is not present in population databases (gnomAD no frequency). This variant has not been reported in the literature in individuals affected with CHEK2-related conditions. ClinVar contains an entry for this variant (Variation ID: 2014960). For these reasons, this variant has been classified as Pathogenic.

Literature cited by the submitters: PubMed 21876083; PubMed 24713400.

NM_007194.4(CHEK2):c.129del (p.Ser44fs)

Gene: CHEK2 (checkpoint kinase 2; minus strand). Cytogenetic location: 22q12.1.
Variant type: Deletion.
Coding change: c.129del on transcript NM_007194.4 (MANE Select); coding-DNA position 129, one base deleted (C; older notation c.129delC).
Protein change: p.Ser44fs; shifts the reading frame from serine 44.
Molecular consequence: frameshift variant.
Genome position (GRCh38, 1-based): chr22:28,734,593, G deleted on the plus strand (C on the coding strand, the reverse complement: CHEK2 is on the minus strand); the first of 2 consecutive G bases (chr22:28,734,593-28,734,594); deleting either gives the same sequence. VCF-style (leftmost placement, unchanged base first): chr22-28734592-TG-T. GRCh37 (hg19) VCF-style: chr22-29130580-TG-T.
Other names: c.128delC, p.Ser44Alafs (NM_001005735.3, NM_001349956.3, NM_145862.3); c.-650delC (NM_001257387.3); short protein forms S44fs.
Identifiers: ClinVar variation 2014960 (VCV002014960.4), dbSNP rs2518132538, ClinGen allele CA2580099440.